The following is an entry in ClinVar:

NM_001127500.1:c.1531_1539delACGAAGATC

Gene: MET (MET proto-oncogene, receptor tyrosine kinase; plus strand).
Variant type: Deletion.
Identifiers: ClinVar variation 4825355 (VCV004825355.1).

ClinVar aggregate classification (germline): Uncertain significance (1 of 4 stars; one submission).

Conditions:
Hereditary cancer-predisposing syndrome. Also called: Neoplastic Syndromes, Hereditary; Tumor predisposition; Hereditary Cancer Syndrome; Hereditary neoplastic syndrome. Identifiers: Orphanet 140162, MedGen C0027672, MeSH D009386, MONDO:0015356.

Submission:

Ambry Genetics
Classification: Uncertain significance for Hereditary cancer-predisposing syndrome. Last evaluated: 2026-02-18. Review status: criteria provided, single submitter. Criteria: Ambry Variant Classification Scheme 2023. Collection method: clinical testing. Allele origin: germline.
Comment: The c.1531_1539delACGAAGATC variant (also known as p.T511_I513del) is located in coding exon 4 of the MET gene. This variant results from an in-frame ACGAAGATC deletion at nucleotide positions 1531 to 1539. This results in the in-frame deletion of 3 residues (TKI) at codons 511 to 513. This amino acid region is well conserved in available vertebrate species. In addition, this variant is predicted to be deleterious by in silico analysis (Choi Y et al. PLoS ONE. 2012; 7(10):e46688). Based on the available evidence, the clinical significance of this variant remains unclear.